The following is an entry in ClinVar:

NM_000059.4(BRCA2):c.4489G>A (p.Val1497Ile)

Gene: BRCA2 (BRCA2 DNA repair associated; plus strand). Cytogenetic location: 13q13.1.
Variant type: single nucleotide variant.
Coding change: c.4489G>A on transcript NM_000059.4 (MANE Select); coding-DNA position 4489, G replaced by A.
Protein change: p.Val1497Ile; replaces valine 1497 with isoleucine.
Molecular consequence: missense variant. On other transcripts: non-coding transcript variant (1), intron variant (2).
Genome position (GRCh38, 1-based): chr13:32,338,844, G>A. VCF-style: chr13-32338844-G-A. GRCh37 (hg19) VCF-style: chr13-32912981-G-A.
Other names: c.4489G>A, p.Val1497Ile (NM_001406719.1, NM_001406720.1); c.1909+5457G>A (NM_001406721.1); c.425-5714G>A (NM_001406722.1); short protein forms V1497I.
Identifiers: ClinVar variation 2814192 (VCV002814192.4), dbSNP rs1271777808, ClinGen allele CA387781537.
Genomic context (GRCh38, chr13:32,338,844, plus strand): 5'-ATTCTAAGTTATGAGGAAACAGACATAGTTAAACACAAAATACTGAAAGAAAGTGTCCCA[G>A]TTGGTACTGGAAATCAACTAGTGACCTTCCAGGGACAACCCGAACGTGATGAAAAGATCA-3'
Protein context (NP_000050.3, residues 1487-1507): KHKILKESVP[Val1497Ile]GTGNQLVTFQ

ClinVar aggregate classification (germline): Uncertain significance. Review status: criteria provided, multiple submitters, no conflicts (2 of 4 stars). 2 submissions from 2 submitters: Uncertain significance (2). Last evaluated 2025-09-02.

Conditions:
Hereditary breast ovarian cancer syndrome. Also called: Hereditary breast and ovarian cancer; Hereditary breast and ovarian cancer syndrome; Breast and ovarian cancer; BRCA1- and BRCA2-Associated Hereditary Breast and Ovarian Cancer; Hereditary breast and ovarian cancer syndrome (HBOC); Hereditary breast and/or ovarian cancer syndrome. Identifiers: Orphanet 145, MedGen C0677776, MeSH D061325, MONDO:0003582. Disease mechanism: loss of function.
Hereditary cancer-predisposing syndrome. Also called: Tumor predisposition; Hereditary Cancer Syndrome; Hereditary neoplastic syndrome; Neoplastic Syndromes, Hereditary. Identifiers: Orphanet 140162, MedGen C0027672, MeSH D009386, MONDO:0015356.

Submissions (2):

Ambry Genetics
Classification: Uncertain significance for Hereditary cancer-predisposing syndrome. Last evaluated: 2025-09-02. Review status: criteria provided, single submitter. Criteria: Ambry Variant Classification Scheme 2023. Collection method: clinical testing. Allele origin: germline.
Comment: The p.V1497I variant (also known as c.4489G>A), located in coding exon 10 of the BRCA2 gene, results from a G to A substitution at nucleotide position 4489. The valine at codon 1497 is replaced by isoleucine, an amino acid with highly similar properties. This amino acid position is conserved. In addition, this alteration is predicted to be tolerated by in silico analysis. Based on the available evidence, the clinical significance of this variant remains unclear.

Labcorp Genetics (formerly Invitae), Labcorp
Classification: Uncertain significance for Hereditary breast ovarian cancer syndrome. Last evaluated: 2024-08-27. Review status: criteria provided, single submitter. Criteria: Invitae Variant Classification Sherloc (09022015). Collection method: clinical testing. Allele origin: germline.
Comment: This sequence change replaces valine, which is neutral and non-polar, with isoleucine, which is neutral and non-polar, at codon 1497 of the BRCA2 protein (p.Val1497Ile). This variant is not present in population databases (gnomAD no frequency). This variant has not been reported in the literature in individuals affected with BRCA2-related conditions. Invitae Evidence Modeling of protein sequence and biophysical properties (such as structural, functional, and spatial information, amino acid conservation, physicochemical variation, residue mobility, and thermodynamic stability) indicates that this missense variant is not expected to disrupt BRCA2 protein function with a negative predictive value of 95%. In summary, the available evidence is currently insufficient to determine the role of this variant in disease. Therefore, it has been classified as a Variant of Uncertain Significance.